The following is an entry in ClinVar:

ClinVar aggregate classification (germline): Benign/Likely benign. Review status: criteria provided, multiple submitters, no conflicts (2 of 4 stars). 6 submissions from 6 submitters: Benign (5); Likely benign (1). Last evaluated 2026-02-01.

Conditions:
Immunodeficiency, common variable, 12 (CVID12). Also called: NFKB1 DEFICIENCY; IMMUNODEFICIENCY, COMMON VARIABLE, 12, WITH AUTOIMMUNITY. Identifiers: Orphanet 1572, Orphanet 696874, MedGen C4225277, MONDO:0014697, OMIM 616576.

Allele frequency attached by ClinVar (database versions not stated): 1000 Genomes Project 30x 0.00500; 1000 Genomes Project 0.00519; ExAC 0.01463; TOPMed 0.01476; gnomAD 0.01529 and 0.01547; gnomAD exomes 0.01530 and 0.02380; ESP Exome Variant Server 0.01830.
gnomAD v4.1: 36,778 of 1,607,472 alleles (2.3%); highest among the groups gnomAD compares: Non-Finnish European, 2.7%; 537 homozygotes.

Submissions (6):

Labcorp Genetics (formerly Invitae), Labcorp
Classification: Benign. Last evaluated: 2026-02-01. Review status: criteria provided, single submitter. Criteria: Invitae Variant Classification Sherloc (09022015). Collection method: clinical testing. Allele origin: germline.

Women's Health and Genetics/Laboratory Corporation of America, LabCorp
Classification: Benign. Last evaluated: 2026-01-21. Review status: criteria provided, single submitter. Criteria: LabCorp Variant Classification Summary - May 2015. Collection method: clinical testing. Allele origin: germline.

ARUP Laboratories, Molecular Genetics and Genomics, ARUP Laboratories
Classification: Benign for Immunodeficiency, common variable, 12. Last evaluated: 2025-07-25. Review status: criteria provided, single submitter. Criteria: ARUP Molecular Germline Variant Investigation Process 2024. Collection method: clinical testing. Allele origin: germline.

Mayo Clinic Laboratories, Mayo Clinic
Classification: Benign. Last evaluated: 2025-06-23. Review status: criteria provided, single submitter. Criteria: ACMG Guidelines, 2015. Collection method: clinical testing. Allele origin: germline. Observed: 1 variant allele.
Comment: BA1, BS2, BP4, BP7

Blueprint Genetics
Classification: Likely benign. Last evaluated: 2024-11-26. Review status: criteria provided, single submitter. Criteria: ACMG Guidelines, 2015. Collection method: clinical testing. Allele origin: germline.

Breakthrough Genomics
Classification: Benign. Review status: criteria provided, single submitter. Criteria: ACMG Guidelines, 2015. Collection method: not provided. Allele origin: germline. Inheritance: Autosomal dominant inheritance. Affected: yes.

NM_003998.4(NFKB1):c.1050C>T (p.Tyr350=)

Gene: NFKB1 (nuclear factor kappa B subunit 1; plus strand). Cytogenetic location: 4q24.
Variant type: single nucleotide variant.
Coding change: c.1050C>T on transcript NM_003998.4 (MANE Select); coding-DNA position 1050, C replaced by T.
Protein change: p.Tyr350=; no amino-acid change (tyrosine 350 retained).
Molecular consequence: synonymous variant.
Genome position (GRCh38, 1-based): chr4:102,584,804, C>T. VCF-style: chr4-102584804-C-T. GRCh37 (hg19) VCF-style: chr4-103505961-C-T.
Other names: p.Tyr350=; c.1047C>T, p.Tyr349= (NM_001165412.2, NM_001319226.2, NM_001382627.1); c.1050C>T, p.Tyr350= (NM_001382625.1, NM_001382626.1); c.1008C>T, p.Tyr336= (NM_001382628.1).
Identifiers: ClinVar variation 993341 (VCV000993341.24), dbSNP rs4648039, ClinGen allele CA3026042.